The following is an entry in ClinVar:

ClinVar aggregate classification (germline): Likely pathogenic (1 of 4 stars; one submission).

Conditions:
Global developmental delay with speech and behavioral abnormalities. Identifiers: MedGen C5543226, MONDO:0030995, OMIM 619243.

Submission:

3billion
Classification: Likely pathogenic for Global developmental delay with speech and behavioral abnormalities. Last evaluated: 2025-02-24. Review status: criteria provided, single submitter. Criteria: ACMG Guidelines, 2015. Collection method: clinical testing. Allele origin: germline. Affected: yes.
Comment: The variant is not observed in the gnomAD v4.1.0 dataset. Predicted Consequence/Location: Frameshift: predicted to result in a loss or disruption of normal protein function through nonsense-mediated decay (NMD) or protein truncation. Multiple pathogenic variants are reported downstream of the variant. Therefore, this variant is classified as Likely pathogenic according to the recommendation of ACMG/AMP guideline.

NM_001162501.2(TNRC6B):c.1472_1473dup (p.Asn492fs)

Gene: TNRC6B (trinucleotide repeat containing adaptor 6B; plus strand). Cytogenetic location: 22q13.1.
Variant type: Microsatellite.
Coding change: c.1472_1473dup on transcript NM_001162501.2 (MANE Select); coding-DNA positions 1472 to 1473, 2 bases duplicated (CT; older notation c.1472_1473dupCT).
Protein change: p.Asn492fs; shifts the reading frame from asparagine 492.
Molecular consequence: frameshift variant. On other transcripts: intron variant (1).
Genome position (GRCh38, 1-based): chr22:40,265,702-40,265,703, CT duplicated; duplicating any 2 consecutive bases within chr22:40,265,700-40,265,703 gives the same sequence; the c. name uses the placement nearest the transcript's 3' end. VCF-style (leftmost placement, unchanged base first): chr22-40265699-A-ACT. GRCh37 (hg19) VCF-style: chr22-40661703-A-ACT.
Other names: c.1472_1473dup, p.Asn492fs (NM_015088.3); c.565+3527CT[3] (NM_001024843.2); short protein forms N492fs.
Identifiers: ClinVar variation 4293540 (VCV004293540.1).